The following is an entry in ClinVar:

ClinVar aggregate classification (germline): Likely benign (1 of 4 stars; one submission).

Conditions:
NPHP4-related disorder. Also called: NPHP4-related disorders; NPHP4-related condition. Identifiers: MedGen CN239384.

Submission:

PreventionGenetics, part of Exact Sciences
Classification: Likely benign for NPHP4-related condition. Last evaluated: 2025-02-14. Review status: criteria provided, single submitter. Criteria: ACMG Guidelines, 2015. Collection method: clinical testing. Allele origin: germline.
Comment: This variant is classified as likely benign based on ACMG/AMP sequence variant interpretation guidelines (Richards et al. 2015 PMID: 25741868, with internal and published modifications).

NM_015102.5(NPHP4):c.1032C>A (p.Arg344=)

Gene: NPHP4 (nephrocystin 4; minus strand). Cytogenetic location: 1p36.31.
Variant type: single nucleotide variant.
Coding change: c.1032C>A on transcript NM_015102.5 (MANE Select); coding-DNA position 1032, C replaced by A.
Protein change: p.Arg344=; no amino-acid change (arginine 344 retained).
Molecular consequence: synonymous variant. On other transcripts: 5 prime UTR variant (2), non-coding transcript variant (1).
Genome position (GRCh38, 1-based): chr1:5,947,191, G>T on the plus strand (C>A on the coding strand, the complement: NPHP4 is on the minus strand). VCF-style: chr1-5947191-G-T. GRCh37 (hg19) VCF-style: chr1-6007251-G-T.
Other names: c.-335C>A (NM_001291593.2, NM_001291594.2).
Identifiers: ClinVar variation 5001570 (VCV005001570.1).
Genomic context (GRCh38, chr1:5,947,191, plus strand): 5'-GAACACGTACTCCAGCTGGAAGATGACCGCAAATGCAGGGTGGCCGACCATCTCTGGGAG[G>T]CGGAGGCGGCTTCTCAAAACCAGAGCTTGGCTCCCGGAGCTGGGTCAGAAACACAAACCA-3'
Protein context (NP_055917.1, residues 334-354): SQALVLRSRL[Arg344=]LPEMVGHPAF